The following is an entry in ClinVar:

NM_000545.8(HNF1A):c.523C>T (p.Gln175Ter)

Gene: HNF1A (HNF1 homeobox A; plus strand). Cytogenetic location: 12q24.31.
Variant type: single nucleotide variant.
Coding change: c.523C>T on transcript NM_000545.8 (MANE Select); coding-DNA position 523, C replaced by T.
Protein change: p.Gln175Ter; replaces glutamine 175 with a stop codon.
Molecular consequence: nonsense.
Genome position (GRCh38, 1-based): chr12:120,989,029, C>T. VCF-style: chr12-120989029-C-T. GRCh37 (hg19) VCF-style: chr12-121426832-C-T.
Other names: NM_000545.8(HNF1A):c.523C>T; p.Gln175Ter; c.523C>T, p.Gln175Ter (NM_001306179.2, NM_001406915.1); short protein forms Q175*.
Identifiers: ClinVar variation 2575051 (VCV002575051.2), dbSNP rs2499988006, ClinGen allele CA386960813.

ClinVar aggregate classification (germline): Pathogenic. Review status: reviewed by expert panel (3 of 4 stars). 2 submissions from 2 submitters: Pathogenic (1). 1 of the submissions does not count toward it. Last evaluated 2025-02-28.

Conditions:
Monogenic diabetes. Identifiers: Orphanet 183625, MedGen C3888631, MONDO:0015967.
Maturity-onset diabetes of the young type 3. Also called: MODY type 3; MODY, type III. Identifiers: Orphanet 552, MedGen C1838100, MeSH C563933, MONDO:0010894, OMIM 600496. Disease mechanism: loss of function.

Submissions (2):

ClinGen Monogenic Diabetes Variant Curation Expert Panel
Classification: Pathogenic for Monogenic diabetes. Last evaluated: 2025-02-28. Review status: reviewed by expert panel. Criteria: ClinGen Diabetes ACMG Specifications HNF1A V2.1.0. Collection method: curation. Allele origin: germline. Inheritance: Autosomal dominant inheritance.
Comment: The c.523C>T variant in the HNF1 homeobox A gene, HNF1A, results in a premature termination at codon 175 (p.(Gln175Ter)) of NM_000545.8. This variant, located in biologically relevant exon 2 of 10, is predicted to lead to nonsense-mediated decay in a gene in which loss-of-function is an established disease mechanism (PVS1; PMID: 23348805). This variant is absent from gnomAD v2.1.1 (PM2_Supporting). This variant was identified in five unrelated individuals with non-autoimmune and non-absolute/near-absolute insulin-deficient diabetes (PS4_Moderate; ClinVar, internal lab contributors) and segregated with diabetes with 3 informative meioses in 3 families (PP1_Moderate; internal lab contributors). Furthermore, one of these individuals had a clinical history highly specific for HNF1A-monogenic diabetes (MODY probability calculator result >50%, negative genetic testing for HNF4A, and negative autoantibodies) (PP4_Moderate; PMID, internal lab contributors). In summary, c.523C>T meets the criteria to be classified as pathogenic for monogenic diabetes. ACMG/AMP criteria applied, as specified by the ClinGen MDEP VCEP (specification version 2.1.0, approved 8/11/2023): PVS1, PM2_Supporting, PS4_Moderate, PP1_Moderate, PP4_Moderate.

Genomics And Bioinformatics Analysis Resource, Columbia University
Classification: Likely pathogenic for Maturity-onset diabetes of the young type 3. Review status: no assertion criteria provided. Collection method: research. Allele origin: unknown. Affected: yes. Not counted in ClinVar's aggregate classification.

Literature cited by the submitters: PubMed 23348805 (cited by ClinGen Monogenic Diabetes Variant Curation Expert Panel).